The following is an entry in ClinVar:

NM_001371596.2(MFSD8):c.198G>C (p.Lys66Asn)

Gene: MFSD8 (major facilitator superfamily domain containing 8; minus strand). Cytogenetic location: 4q28.2.
Variant type: single nucleotide variant.
Coding change: c.198G>C on transcript NM_001371596.2 (MANE Select); coding-DNA position 198, G replaced by C.
Protein change: p.Lys66Asn; replaces lysine 66 with asparagine.
Molecular consequence: missense variant.
Genome position (GRCh38, 1-based): chr4:127,949,804, C>G on the plus strand (G>C on the coding strand, the complement: MFSD8 is on the minus strand). VCF-style: chr4-127949804-C-G. GRCh37 (hg19) VCF-style: chr4-128870959-C-G.
Other names: c.198G>C, p.Lys66Asn (NM_001363520.3, NM_001363521.3, NM_001371591.2 and 6 more transcripts); c.63G>C, p.Lys21Asn (NM_001371590.2, NM_001371595.1, NM_001410765.1); short protein forms K21N, K66N.
Identifiers: ClinVar variation 4887153 (VCV004887153.1).
Genomic context (GRCh38, chr4:127,949,804, plus strand): 5'-ACTACGTAAGAGTTACTACTACTGTAGCTATAAGGGAAAAATAGATTGAAATGTACAAAC[C>G]TTTTGGAGATATGGCCATATGGACATCATCACTACAGAAAACCCTGTGAAGAAGCAAACT-3'
Protein context (NP_001358525.1, residues 56-76): VMMSIWPYLQ[Lys66Asn]IDPTADTSFL

ClinVar aggregate classification (germline): Uncertain significance (1 of 4 stars; one submission).

gnomAD v4.1: 2 of 1,611,880 alleles (0.00012%); highest among the groups gnomAD compares: Non-Finnish European, 0.00017%; no homozygotes.

Submission:

Women's Health and Genetics/Laboratory Corporation of America, LabCorp
Classification: Uncertain significance. Last evaluated: 2026-06-18. Review status: criteria provided, single submitter. Criteria: LabCorp Variant Classification Summary - May 2015. Collection method: clinical testing. Allele origin: germline.
Comment: Variant summary: MFSD8 c.198G>C (p.Lys66Asn) results in a non-conservative amino acid change in the encoded protein sequence. Algorithms developed to predict the effect of missense changes on protein structure and function all suggest that this variant is likely to be disruptive. Several computational tools predict a significant impact on normal splicing: Four predict the variant abolishes a 5' splicing donor site. One predict the variant no significant impact on splicing. However, these predictions have yet to be confirmed by functional studies. The variant was absent in 250530 control chromosomes. The available data on variant occurrences in the general population are insufficient to allow any conclusion about variant significance. To our knowledge, no occurrence of c.198G>C in individuals affected with MFSD8-related conditions and no experimental evidence demonstrating its impact on protein function have been reported. No submitters have cited clinical-significance assessments for this variant to ClinVar. Based on the evidence outlined above, the variant was classified as uncertain significance.